The following is an entry in ClinVar:

NM_138387.4(G6PC3):c.442C>G (p.Leu148Val)

Gene: G6PC3 (glucose-6-phosphatase catalytic subunit 3; plus strand). Cytogenetic location: 17q21.31.
Variant type: single nucleotide variant.
Coding change: c.442C>G on transcript NM_138387.4 (MANE Select); coding-DNA position 442, C replaced by G.
Protein change: p.Leu148Val; replaces leucine 148 with valine.
Molecular consequence: missense variant. On other transcripts: intron variant (1).
Genome position (GRCh38, 1-based): chr17:44,074,994, C>G. VCF-style: chr17-44074994-C-G. GRCh37 (hg19) VCF-style: chr17-42152362-C-G.
Other names: c.97C>G, p.Leu33Val (NM_001384165.1, NM_001384166.1, NM_001384167.1 and 1 more transcripts); c.416+224C>G (NM_001319945.2); short protein forms L148V, L33V.
Identifiers: ClinVar variation 4261001 (VCV004261001.1).

ClinVar aggregate classification (germline): Uncertain significance (1 of 4 stars; one submission).

Conditions:
Inborn genetic diseases. Identifiers: MedGen C0950123, MeSH D030342.

Submission:

Ambry Genetics
Classification: Uncertain significance for Inborn genetic diseases. Last evaluated: 2025-08-21. Review status: criteria provided, single submitter. Criteria: Ambry Variant Classification Scheme 2023. Collection method: clinical testing. Allele origin: germline.
Comment: The p.L148V variant (also known as c.442C>G), located in coding exon 4 of the G6PC3 gene, results from a C to G substitution at nucleotide position 442. The leucine at codon 148 is replaced by valine, an amino acid with highly similar properties. This amino acid position is conserved. In addition, this alteration is predicted to be tolerated by in silico analysis. Based on the available evidence, the clinical significance of this variant remains unclear.